The following is an entry in ClinVar:

NM_014495.4(ANGPTL3):c.757G>T (p.Gly253Cys)

Genes: ANGPTL3 (angiopoietin like 3; plus strand), DOCK7 (dedicator of cytokinesis 7; minus strand). Cytogenetic location: 1p31.3.
Variant type: single nucleotide variant.
Coding change: c.757G>T on transcript NM_014495.4 (MANE Select); coding-DNA position 757, G replaced by T.
Protein change: p.Gly253Cys; replaces glycine 253 with cysteine.
Molecular consequence: missense variant. On other transcripts: intron variant (7).
Genome position (GRCh38, 1-based): chr1:62,601,804, G>T. VCF-style: chr1-62601804-G-T. GRCh37 (hg19) VCF-style: chr1-63067475-G-T.
Other names: c.1683-15180C>A (NM_001272001.2, NM_001272000.2, NM_033407.4 and 4 more transcripts); short protein forms G253C.
Identifiers: ClinVar variation 2138041 (VCV002138041.1), dbSNP rs141967457, ClinGen allele CA886680.

ClinVar aggregate classification (germline): Uncertain significance (1 of 4 stars; one submission).

Allele frequency attached by ClinVar (database versions not stated): ExAC 0.00012; TOPMed 0.00017; gnomAD exomes 0.00020; ESP Exome Variant Server 0.00023.
gnomAD v4.1: 310 of 1,609,618 alleles (0.019%); highest among the groups gnomAD compares: Non-Finnish European, 0.025%; no homozygotes.

Submission:

Labcorp Genetics (formerly Invitae), Labcorp
Classification: Uncertain significance. Last evaluated: 2022-07-26. Review status: criteria provided, single submitter. Criteria: Invitae Variant Classification Sherloc (09022015). Collection method: clinical testing. Allele origin: germline.
Comment: This sequence change replaces glycine, which is neutral and non-polar, with cysteine, which is neutral and slightly polar, at codon 253 of the ANGPTL3 protein (p.Gly253Cys). This variant is present in population databases (rs141967457, gnomAD 0.03%). This variant has not been reported in the literature in individuals affected with ANGPTL3-related conditions. Algorithms developed to predict the effect of missense changes on protein structure and function are either unavailable or do not agree on the potential impact of this missense change (SIFT: "Deleterious"; PolyPhen-2: "Possibly Damaging"; Align-GVGD: "Class C0"). Experimental studies are conflicting or provide insufficient evidence to determine the effect of this variant on ANGPTL3 function (PMID: 28385496, 29713054). In summary, the available evidence is currently insufficient to determine the role of this variant in disease. Therefore, it has been classified as a Variant of Uncertain Significance.

Literature cited by the submitters: PubMed 28385496; PubMed 29713054.